The following is an entry in ClinVar:

NM_020184.4(CNNM4):c.2285G>A (p.Arg762His)

Gene: CNNM4 (cyclin and CBS domain divalent metal cation transport mediator 4; plus strand). Cytogenetic location: 2q11.2.
Variant type: single nucleotide variant.
Coding change: c.2285G>A on transcript NM_020184.4 (MANE Select); coding-DNA position 2285, G replaced by A.
Protein change: p.Arg762His; replaces arginine 762 with histidine.
Molecular consequence: missense variant.
Genome position (GRCh38, 1-based): chr2:96,809,474, G>A. VCF-style: chr2-96809474-G-A. GRCh37 (hg19) VCF-style: chr2-97475211-G-A.
Other names: short protein forms R762H.
Identifiers: ClinVar variation 1392254 (VCV001392254.5), dbSNP rs772029041, ClinGen allele CA1783636.

ClinVar aggregate classification (germline): Uncertain significance (1 of 4 stars; one submission).

Allele frequency attached by ClinVar (database versions not stated): gnomAD 0.00001; TOPMed 0.00002.
gnomAD v4.1: 29 of 1,614,072 alleles (0.0018%); highest among the groups gnomAD compares: East Asian, 0.0022%; no homozygotes.

Submission:

Labcorp Genetics (formerly Invitae), Labcorp
Classification: Uncertain significance. Last evaluated: 2024-05-29. Review status: criteria provided, single submitter. Criteria: Invitae Variant Classification Sherloc (09022015). Collection method: clinical testing. Allele origin: germline.
Comment: This sequence change replaces arginine, which is basic and polar, with histidine, which is basic and polar, at codon 762 of the CNNM4 protein (p.Arg762His). This variant is present in population databases (rs772029041, gnomAD 0.006%). This variant has not been reported in the literature in individuals affected with CNNM4-related conditions. ClinVar contains an entry for this variant (Variation ID: 1392254). Advanced modeling of protein sequence and biophysical properties (such as structural, functional, and spatial information, amino acid conservation, physicochemical variation, residue mobility, and thermodynamic stability) performed at Invitae indicates that this missense variant is not expected to disrupt CNNM4 protein function with a negative predictive value of 80%. In summary, the available evidence is currently insufficient to determine the role of this variant in disease. Therefore, it has been classified as a Variant of Uncertain Significance.